The following continues an entry in ClinVar:

NM_000051.4(ATM):c.5882A>G (p.Tyr1961Cys)

ClinVar aggregate classification (germline): Conflicting classifications of pathogenicity. Likely pathogenic (1); Uncertain significance (21); Likely benign (1).

Submissions 9 to 24 of 24:

Women's Health and Genetics/Laboratory Corporation of America, LabCorp
Classification: Uncertain significance. Last evaluated: 2024-09-09. Review status: criteria provided, single submitter. Criteria: LabCorp Variant Classification Summary - May 2015. Collection method: clinical testing. Allele origin: germline.
Comment: Variant summary: ATM c.5882A>G (p.Tyr1961Cys) results in a non-conservative amino acid change in the encoded protein sequence. Four of five in-silico tools predict a damaging effect of the variant on protein function. The variant allele was found at a frequency of 4e-05 in 251076 control chromosomes, predominantly at a frequency of 7.9e-05 within the Non-Finnish European subpopulation in the gnomAD database. The available data on variant occurrences in the general population are insufficient to allow any conclusion about variant significance. This variant has been reported in multiple patients with CLL, breast cancer, or pancreatic cancer, without strong evidence supporting pathogenicity of this variant (Luo_1998, Austen_2005, Greenman_2007, Skowronska_2011, Grant_2015, Young_2015, Chaffee_2018, Girard_2019, Tsaousis_2019). These reports do not provide unequivocal conclusions about association of the variant with Breast Cancer. One publication lists the variant as having reduced ATM Kinase activity but does not provide data supporting this statement (Barone_2009). The following publications have been ascertained in the context of this evaluation (PMID: 16014569, 19431188, 28726808, 30303537, 25479140, 17344846, 9622061, 26837699, 21933854, 28652578, 31159747, 26787654). ClinVar contains an entry for this variant (Variation ID: 127413). Based on the evidence outlined above, the variant was classified as uncertain significance.

Molecular Diagnostics Laboratory, Catalan Institute of Oncology
Classification: Uncertain significance for Hereditary cancer-predisposing syndrome. Last evaluated: 2024-09-03. Review status: criteria provided, single submitter. Criteria: ClinGen ACMG Specifications ATM V1.1.0. Collection method: clinical testing. Allele origin: germline.
Comment: PS3_Supporting c.5882A>G, located in exon 39 of the ATM gene, is predicted to result in the substitution of tyrosine by cysteine at codon 1961, p.(Tyr1961Cys). This variant is found in 9/117911 at a filtered allele frequency of 0.004% in the gnomAD v2.1.1 database (European non-Finnish non-cancer data set). The SpliceAI algorithm predicts no significant impact on splicing and the REVEL meta-predictor score (0.611) for this variant is indeterminate regarding the effect that it may have on protein function. A functional study has shown reduced kinase activity (PMID: 19431188)(PS3_Supporting). In addition, the variant was also identified in ClinVar (12x uncertain significance, 1x likely benign) and in the LOVD (2x uncertain significance, 2x not provided) databases. Based on currently available information, the variant c.5882A>G is classified as an uncertain significance variant according to ClinGen-ATM Guidelines version v1.1.

Quest Diagnostics Nichols Institute San Juan Capistrano
Classification: Uncertain significance. Last evaluated: 2024-06-19. Review status: criteria provided, single submitter. Criteria: Quest Diagnostics criteria. Collection method: clinical testing. Allele origin: unknown.

Myriad Genetics, Inc.
Classification: Likely pathogenic for Familial cancer of breast. Last evaluated: 2024-05-23. Review status: criteria provided, single submitter. Criteria: Myriad Autosomal Dominant, Autosomal Recessive and X-Linked Classification Criteria (2023). Collection method: clinical testing. Allele origin: unknown.
Comment: The ATM c.5882A>G (p.Tyr1961Cys) variant is considered likely pathogenic for hereditary cancer risk. This variant is strongly associated with more severe personal and family histories of cancer, typical for individuals with pathogenic ATM variants [PMID: 25085752]. However, at this time, it is unclear whether homozygous or compound heterozygous inheritance of this variant causes the recessive condition ataxia telangiectasia (AT).

Myriad Genetics, Inc.
Classification: Uncertain significance for Ataxia-telangiectasia syndrome. Last evaluated: 2024-05-23. Review status: criteria provided, single submitter. Criteria: Myriad Autosomal Dominant, Autosomal Recessive and X-Linked Classification Criteria (2023). Collection method: clinical testing. Allele origin: unknown.
Comment: The ATM c.5882A>G (p.Tyr1961Cys) variant has a classification of uncertain for Ataxia Telangiectasia (AT) as there is limited evidence regarding the association with this variant and AT in homozgyous or compound heterozygous individuals. However, this variant has been found to be associated with more severe personal and family histories of cancer and is therefore classified as likely pathogenic for hereditary cancer risk. Please note: this variant was assessed in the context of healthy population screening.

Baylor Genetics
Classification: Uncertain significance for Familial cancer of breast. Last evaluated: 2024-02-13. Review status: criteria provided, single submitter. Criteria: ACMG Guidelines, 2015. Collection method: clinical testing. Allele origin: unknown.

Molecular Pathology, Peter Maccallum Cancer Centre
Classification: Uncertain significance for Ataxia-telangiectasia syndrome. Last evaluated: 2024-01-31. Review status: criteria provided, single submitter. Criteria: ACMG Guidelines, 2015. Collection method: clinical testing. Allele origin: germline. Inheritance: Autosomal recessive inheritance.

KCCC/NGS Laboratory, Kuwait Cancer Control Center
Classification: Uncertain significance for Familial cancer of breast. Last evaluated: 2023-06-06. Review status: criteria provided, single submitter. Criteria: ACMG Guidelines, 2015. Collection method: clinical testing. Allele origin: germline. Affected: yes.
Comment: a variant of uncertain significance in the ATM gene (p.Tyr1961Cys). This sequence change replaces tyrosine with cysteine at codon 1961 of the ATM protein (p.Tyr1961Cys). The tyrosine residue is highly conserved and there is a large physicochemical difference between tyrosine and cysteine. This variant is present in population databases (rs56399311, gnomAD 0.004%). This variant has been observed in individuals affected with prostate cancer, pancreatic cancer, chronic lymphocytic leukemia, and T-cell lymphoblastic leukemia (PMID: 25479140, 9622061, 21933854, Invitae). However, in one of these individuals’ pathogenic alleles were also identified in ATM, which suggests that this c.5882A>G variant was not the primary cause of disease. ClinVar contains 9 entries for this variant (Variation ID: 127413), all of which interpreted this variant as of uncertain significance. This variant has been predicted as damaging by Polyphen and SIFT. In summary, the available evidence is currently insufficient to determine the role of this variant in disease. Therefore, it has been classified as a Variant of Uncertain Significance.

Institute of Human Genetics, University of Leipzig Medical Center
Classification: Uncertain significance for Breast carcinoma. Last evaluated: 2021-11-26. Review status: criteria provided, single submitter. Criteria: ACMG Guidelines, 2015. Collection method: clinical testing. Allele origin: unknown. Affected: yes.
Comment: _x000D_ Criteria applied: PM2_SUP, PP3

Department of Pathology and Laboratory Medicine, Sinai Health System
Classification: Uncertain significance for Familial cancer of breast. Last evaluated: 2019-12-16. Review status: criteria provided, single submitter. Criteria: ACMG Guidelines, 2015. Collection method: clinical testing. Allele origin: germline. Affected: no.

Genetic Services Laboratory, University of Chicago
Classification: Uncertain significance. Last evaluated: 2019-07-17. Review status: criteria provided, single submitter. Criteria: ACMG Guidelines, 2015. Collection method: clinical testing. Allele origin: germline. Affected: no.

Cambridge Genomics Laboratory, East Genomic Laboratory Hub, NHS Genomic Medicine Service
Classification: Uncertain significance for Cancer or benign tumor. Last evaluated: 2019-04-24. Review status: criteria provided, single submitter. Criteria: ACGS Best Practice Guidelines for Variant Classification in Rare Disease 2020. Collection method: clinical testing. Allele origin: germline. Affected: yes. Observed: 1 variant allele.

Fulgent Genetics
Classification: Uncertain significance for Familial cancer of breast; Ataxia-telangiectasia syndrome. Last evaluated: 2018-10-31. Review status: criteria provided, single submitter. Criteria: ACMG Guidelines, 2015. Collection method: clinical testing. Allele origin: unknown.

GeneKor MSA
Classification: Uncertain significance for Hereditary cancer-predisposing syndrome. Last evaluated: 2018-08-01. Review status: criteria provided, single submitter. Criteria: ACMG Guidelines, 2015. Collection method: clinical testing. Allele origin: germline. Affected: yes.

Mendelics
Classification: Uncertain significance for Ataxia-telangiectasia syndrome. Last evaluated: 2018-07-02. Review status: criteria provided, single submitter. Criteria: Mendelics Assertion Criteria 2017. Collection method: clinical testing. Allele origin: unknown.

Counsyl
Classification: Uncertain significance for Ataxia-telangiectasia syndrome. Last evaluated: 2017-03-16. Review status: no assertion criteria provided. Collection method: clinical testing. Allele origin: unknown. Not counted in ClinVar's aggregate classification.

Literature cited by the submitters: PubMed 19431188 (cited by 6 submitters); PubMed 25479140 (cited by 5 submitters); PubMed 28726808 (cited by 5 submitters); PubMed 28779002 (cited by 4 submitters); PubMed 33471991 (cited by Color Diagnostics, LLC DBA Color Health and Quest Diagnostics Nichols Institute San Juan Capistrano); PubMed 38354330 (cited by Color Diagnostics, LLC DBA Color Health); PubMed 16014569 (cited by 3 submitters); PubMed 21933854 (cited by 4 submitters); PubMed 26787654 (cited by 3 submitters); PubMed 31159747 (cited by 4 submitters); PubMed 32957588 (cited by Ambry Genetics and Quest Diagnostics Nichols Institute San Juan Capistrano); PubMed 9622061 (cited by 4 submitters); PubMed 17344846 (cited by Women's Health and Genetics/Laboratory Corporation of America, LabCorp and Quest Diagnostics Nichols Institute San Juan Capistrano); PubMed 28652578 (cited by Women's Health and Genetics/Laboratory Corporation of America, LabCorp and Quest Diagnostics Nichols Institute San Juan Capistrano); PubMed 26837699 (cited by Women's Health and Genetics/Laboratory Corporation of America, LabCorp and Quest Diagnostics Nichols Institute San Juan Capistrano); PubMed 30303537 (cited by Women's Health and Genetics/Laboratory Corporation of America, LabCorp and Quest Diagnostics Nichols Institute San Juan Capistrano); PubMed 22529920 (cited by Quest Diagnostics Nichols Institute San Juan Capistrano); PubMed 33436325 (cited by Quest Diagnostics Nichols Institute San Juan Capistrano); PubMed 34718612 (cited by Quest Diagnostics Nichols Institute San Juan Capistrano); PubMed 25085752 (cited by Myriad Genetics, Inc.).